The following is an entry in ClinVar:

ClinVar aggregate classification (germline): Likely benign. Review status: criteria provided, multiple submitters, no conflicts (2 of 4 stars). 2 submissions from 2 submitters: Likely benign (2). Last evaluated 2026-03-01.

Submissions (2):

CeGaT Center for Human Genetics Tuebingen
Classification: Likely benign. Last evaluated: 2026-03-01. Review status: criteria provided, single submitter. Criteria: CeGaT Center For Human Genetics Tuebingen Variant Classification Criteria Version 2. Collection method: clinical testing. Allele origin: germline. Affected: yes. Observed: 2 variant alleles.
Comment: HERC2: BP4, BP7

Blueprint Genetics
Classification: Likely benign. Last evaluated: 2024-11-21. Review status: criteria provided, single submitter. Criteria: ACMG Guidelines, 2015. Collection method: clinical testing. Allele origin: germline.

NM_004667.6(HERC2):c.7593C>T (p.Asp2531=)

Gene: HERC2 (HECT and RLD domain containing E3 ubiquitin protein ligase 2; minus strand). Cytogenetic location: 15q13.1.
Variant type: single nucleotide variant.
Coding change: c.7593C>T on transcript NM_004667.6 (MANE Select); coding-DNA position 7593, C replaced by T.
Protein change: p.Asp2531=; no amino-acid change (aspartic acid 2531 retained).
Molecular consequence: synonymous variant.
Genome position (GRCh38, 1-based): chr15:28,202,137, G>A on the plus strand (C>T on the coding strand, the complement: HERC2 is on the minus strand). VCF-style: chr15-28202137-G-A. GRCh37 (hg19) VCF-style: chr15-28447283-G-A.
Identifiers: ClinVar variation 4821624 (VCV004821624.5).